The following is an entry in ClinVar:

NM_012338.4(TSPAN12):c.767G>A (p.Gly256Glu)

Gene: TSPAN12 (tetraspanin 12; minus strand). Cytogenetic location: 7q31.31.
Variant type: single nucleotide variant.
Coding change: c.767G>A on transcript NM_012338.4 (MANE Select); coding-DNA position 767, G replaced by A.
Protein change: p.Gly256Glu; replaces glycine 256 with glutamic acid.
Molecular consequence: missense variant.
Genome position (GRCh38, 1-based): chr7:120,788,743, C>T on the plus strand (G>A on the coding strand, the complement: TSPAN12 is on the minus strand). VCF-style: chr7-120788743-C-T. GRCh37 (hg19) VCF-style: chr7-120428797-C-T.
Other names: short protein forms G256E.
Identifiers: ClinVar variation 1495527 (VCV001495527.8), dbSNP rs551381188, ClinGen allele CA4453807.
Genomic context (GRCh38, chr7:120,788,743, plus strand): 5'-ACTGAGGGACATGACAGGTGCTGAGAGTTGTCATTCTTCAAGGACATCATTTGGTCTGTC[C>T]CCGGCTCCCTTCTATCATAATACAGAGCCCAGAGCAGAGTAATGGTGAGAATCATGGCCA-3'
Protein context (NP_036470.1, residues 246-266): WALYYDRREP[Gly256Glu]TDQMMSLKND

ClinVar aggregate classification (germline): Uncertain significance (1 of 4 stars; one submission).

Allele frequency attached by ClinVar (database versions not stated): gnomAD exomes below 0.00001; gnomAD 0.00001; ExAC 0.00002; 1000 Genomes Project 0.00040; 1000 Genomes Project 30x 0.00047.
gnomAD v4.1: 2 of 1,614,034 alleles (0.00012%); highest among the groups gnomAD compares: African/African-American, 0.0027%; no homozygotes.

Submission:

Labcorp Genetics (formerly Invitae), Labcorp
Classification: Uncertain significance. Last evaluated: 2021-06-01. Review status: criteria provided, single submitter. Criteria: Invitae Variant Classification Sherloc (09022015). Collection method: clinical testing. Allele origin: germline.
Comment: In summary, the available evidence is currently insufficient to determine the role of this variant in disease. Therefore, it has been classified as a Variant of Uncertain Significance. Algorithms developed to predict the effect of missense changes on protein structure and function are either unavailable or do not agree on the potential impact of this missense change (SIFT: "Deleterious"; PolyPhen-2: "Benign"; Align-GVGD: "Class C0"). This variant has not been reported in the literature in individuals with TSPAN12-related conditions. This variant is present in population databases (rs551381188, ExAC 0.02%). This sequence change replaces glycine with glutamic acid at codon 256 of the TSPAN12 protein (p.Gly256Glu). The glycine residue is highly conserved and there is a moderate physicochemical difference between glycine and glutamic acid.